The following is an entry in ClinVar:

ClinVar aggregate classification (germline): Conflicting classifications of pathogenicity. Review status: criteria provided, conflicting classifications (1 of 4 stars). 7 submissions from 7 submitters: Uncertain significance (5); Likely benign (2). Last evaluated 2026-01-20.

Conditions:
PLEC-related disorder. Also called: PLEC-related disorders; PLEC-related condition.
Autosomal recessive limb-girdle muscular dystrophy type 2Q (LGMDR17). Also called: MUSCULAR DYSTROPHY, LIMB-GIRDLE, AUTOSOMAL RECESSIVE 17. Identifiers: Orphanet 254361, MedGen C3150989, MONDO:0013390, OMIM 613723.
Epidermolysis bullosa simplex 5B, with muscular dystrophy (EBS5B). Also called: EPIDERMOLYSIS BULLOSA SIMPLEX AND LIMB-GIRDLE MUSCULAR DYSTROPHY; Epidermolysis bullosa simplex with muscular dystrophy. Identifiers: Orphanet 257, MedGen C2931072, MONDO:0009181, OMIM 226670.
Epidermolysis bullosa simplex with nail dystrophy (EBS5D). Identifiers: MedGen C4225309, MONDO:0014661, OMIM 616487.
Epidermolysis bullosa simplex, Ogna type (EBS5A). Also called: Pidermolysis bullosa simplex 5A, Ogna type; EPIDERMOLYSIS BULLOSA SIMPLEX 5A, OGNA TYPE. Identifiers: Orphanet 79401, MedGen C0432317, MONDO:0007555, OMIM 131950.
Epidermolysis bullosa simplex 5C, with pyloric atresia (EBS5C). Also called: PLEC1-Related Epidermolysis Bullosa with Pyloric Atresia; PLEC-Related Epidermolysis Bullosa with Pyloric Atresia; Epidermolysis bullosa simplex with pyloric atresia. Identifiers: Orphanet 158684, MedGen C2677349, MONDO:0012807, OMIM 612138.
Inborn genetic diseases. Identifiers: MedGen C0950123, MeSH D030342.

Allele frequency attached by ClinVar (database versions not stated): ExAC below 0.00001; gnomAD 0.00010; TOPMed 0.00012; gnomAD exomes 0.00018; 1000 Genomes Project 30x 0.00031; 1000 Genomes Project 0.00060.
gnomAD v4.1: 112 of 1,540,054 alleles (0.0073%); highest among the groups gnomAD compares: East Asian, 0.14%; no homozygotes.

Submissions (7):

Labcorp Genetics (formerly Invitae), Labcorp
Classification: Uncertain significance for Autosomal recessive limb-girdle muscular dystrophy type 2Q; Epidermolysis bullosa simplex, Ogna type; Epidermolysis bullosa simplex with nail dystrophy; Epidermolysis bullosa simplex 5C, with pyloric atresia; Epidermolysis bullosa simplex 5B, with muscular dystrophy. Last evaluated: 2026-01-20. Review status: criteria provided, single submitter. Criteria: Invitae Variant Classification Sherloc (09022015). Collection method: clinical testing. Allele origin: germline.
Comment: This sequence change replaces valine, which is neutral and non-polar, with methionine, which is neutral and non-polar, at codon 4573 of the PLEC protein (p.Val4573Met). This variant is present in population databases (rs573424409, gnomAD 0.2%). This variant has not been reported in the literature in individuals affected with PLEC-related conditions. ClinVar contains an entry for this variant (Variation ID: 390440). Experimental studies and prediction algorithms are not available or were not evaluated, and the functional significance of this variant is currently unknown. In summary, the available evidence is currently insufficient to determine the role of this variant in disease. Therefore, it has been classified as a Variant of Uncertain Significance.

PreventionGenetics, part of Exact Sciences
Classification: Likely benign for PLEC-related condition. Last evaluated: 2025-02-02. Review status: criteria provided, single submitter. Criteria: ACMG Guidelines, 2015. Collection method: clinical testing. Allele origin: germline.
Comment: This variant is classified as likely benign based on ACMG/AMP sequence variant interpretation guidelines (Richards et al. 2015 PMID: 25741868, with internal and published modifications).

Revvity Omics, Revvity
Classification: Uncertain significance. Last evaluated: 2024-08-30. Review status: criteria provided, single submitter. Criteria: ACMG Guidelines, 2015. Collection method: clinical testing. Allele origin: germline.

Ambry Genetics
Classification: Uncertain significance for Inborn genetic diseases. Last evaluated: 2023-11-13. Review status: criteria provided, single submitter. Criteria: Ambry Variant Classification Scheme 2023. Collection method: clinical testing. Allele origin: germline.

GeneDx
Classification: Likely benign. Last evaluated: 2017-07-28. Review status: criteria provided, single submitter. Criteria: GeneDx Variant Classification (06012015). Collection method: clinical testing. Allele origin: germline. Affected: yes.
Comment: This variant is considered likely benign or benign based on one or more of the following criteria: it is a conservative change, it occurs at a poorly conserved position in the protein, it is predicted to be benign by multiple in silico algorithms, and/or has population frequency not consistent with disease.

Eurofins Ntd Llc (ga)
Classification: Uncertain significance. Last evaluated: 2017-01-25. Review status: criteria provided, single submitter. Criteria: EGL Classification Definitions 2015. Collection method: clinical testing. Allele origin: germline. Observed: 3 variant alleles, 3 heterozygotes.

Athena Diagnostics
Classification: Uncertain significance. Last evaluated: 2016-09-26. Review status: criteria provided, single submitter. Criteria: Athena Diagnostics Criteria. Collection method: clinical testing. Allele origin: germline.

NM_201384.3(PLEC):c.13636G>A (p.Val4546Met)

Gene: PLEC (plectin; minus strand). Cytogenetic location: 8q24.3.
Variant type: single nucleotide variant.
Coding change: c.13636G>A on transcript NM_201384.3 (MANE Select); coding-DNA position 13636, G replaced by A.
Protein change: p.Val4546Met; replaces valine 4546 with methionine.
Molecular consequence: missense variant.
Genome position (GRCh38, 1-based): chr8:143,916,185, C>T on the plus strand (G>A on the coding strand, the complement: PLEC is on the minus strand). VCF-style: chr8-143916185-C-T. GRCh37 (hg19) VCF-style: chr8-144990353-C-T.
Other names: c.13717G>A, p.Val4573Met (NM_000445.5); c.13594G>A, p.Val4532Met (NM_201378.4); c.13570G>A, p.Val4524Met (NM_201379.3); c.14047G>A, p.Val4683Met (NM_201380.4); c.13540G>A, p.Val4514Met (NM_201381.3); c.13636G>A, p.Val4546Met (NM_201382.4); c.13648G>A, p.Val4550Met (NM_201383.3); short protein forms V4514M, V4524M, V4532M, V4546M, V4550M, V4573M, V4683M.
Identifiers: ClinVar variation 390440 (VCV000390440.18), dbSNP rs573424409, ClinGen allele CA4923741.